The following is an entry in ClinVar:

NM_016169.4(SUFU):c.877A>G (p.Ile293Val)

Gene: SUFU (SUFU negative regulator of hedgehog signaling; plus strand). Cytogenetic location: 10q24.32.
Variant type: single nucleotide variant.
Coding change: c.877A>G on transcript NM_016169.4 (MANE Select); coding-DNA position 877, A replaced by G.
Protein change: p.Ile293Val; replaces isoleucine 293 with valine.
Molecular consequence: missense variant.
Genome position (GRCh38, 1-based): chr10:102,597,260, A>G. VCF-style: chr10-102597260-A-G. GRCh37 (hg19) VCF-style: chr10-104357017-A-G.
Other names: c.877A>G, p.Ile293Val (NM_001178133.2); short protein forms I293V.
Identifiers: ClinVar variation 822724 (VCV000822724.17), dbSNP rs574002050, ClinGen allele CA5667794.

ClinVar aggregate classification (germline): Uncertain significance. Review status: criteria provided, multiple submitters, no conflicts (2 of 4 stars). 3 submissions from 3 submitters: Uncertain significance (3). Last evaluated 2025-11-03.

Conditions:
Gorlin syndrome. Also called: Nevoid Basal Cell Carcinoma Syndrome; Basal cell nevus syndrome. Identifiers: Orphanet 377, MedGen C0004779, MONDO:0007187.
Medulloblastoma (MDB). Also called: Medulloblastoma, somatic; MEDULLOBLASTOMA PREDISPOSITION SYNDROME. Identifiers: Orphanet 616, MedGen C0025149, MeSH D008527, MONDO:0007959, OMIM 155255, HP:0002885.
Hereditary cancer-predisposing syndrome. Also called: Hereditary Cancer Syndrome; Neoplastic Syndromes, Hereditary; Hereditary neoplastic syndrome; Tumor predisposition. Identifiers: Orphanet 140162, MedGen C0027672, MeSH D009386, MONDO:0015356.
Familial meningioma. Also called: Meningioma, familial, susceptibility to. Identifiers: Orphanet 263662, MedGen C3551915, MONDO:0011789, OMIM 607174.

Allele frequency attached by ClinVar (database versions not stated): gnomAD 0.00001; gnomAD exomes 0.00001; TOPMed 0.00001; ExAC 0.00002; 1000 Genomes Project 0.00020; 1000 Genomes Project 30x 0.00031.
gnomAD v4.1: 7 of 1,613,946 alleles (0.00043%); highest among the groups gnomAD compares: South Asian, 0.0011%; no homozygotes.

Submissions (3):

Labcorp Genetics (formerly Invitae), Labcorp
Classification: Uncertain significance for Gorlin syndrome; Medulloblastoma. Last evaluated: 2025-11-03. Review status: criteria provided, single submitter. Criteria: Invitae Variant Classification Sherloc (09022015). Collection method: clinical testing. Allele origin: germline.
Comment: This sequence change replaces isoleucine, which is neutral and non-polar, with valine, which is neutral and non-polar, at codon 293 of the SUFU protein (p.Ile293Val). This variant is present in population databases (rs574002050, gnomAD 0.003%). This missense change has been observed in individual(s) with clinical features of autosomal recessive Joubert disease (PMID: 28965847). ClinVar contains an entry for this variant (Variation ID: 822724). Invitae Evidence Modeling of protein sequence and biophysical properties (such as structural, functional, and spatial information, amino acid conservation, physicochemical variation, residue mobility, and thermodynamic stability) indicates that this missense variant is not expected to disrupt SUFU protein function with a negative predictive value of 80%. In summary, the available evidence is currently insufficient to determine the role of this variant in disease. Therefore, it has been classified as a Variant of Uncertain Significance.

Ambry Genetics
Classification: Uncertain significance for Hereditary cancer-predisposing syndrome. Last evaluated: 2025-06-10. Review status: criteria provided, single submitter. Criteria: Ambry Variant Classification Scheme 2023. Collection method: clinical testing. Allele origin: germline.
Comment: The p.I293V variant (also known as c.877A>G), located in coding exon 7 of the SUFU gene, results from an A to G substitution at nucleotide position 877. The isoleucine at codon 293 is replaced by valine, an amino acid with highly similar properties. This amino acid position is well conserved in available vertebrate species. In addition, this alteration is predicted to be tolerated by in silico analysis. Since supporting evidence is limited at this time, the clinical significance of this alteration remains unclear.

Baylor Genetics
Classification: Uncertain significance for Familial meningioma. Last evaluated: 2023-08-08. Review status: criteria provided, single submitter. Criteria: ACMG Guidelines, 2015. Collection method: clinical testing. Allele origin: unknown.

Literature cited by the submitters: PubMed 28965847 (cited by Labcorp Genetics (formerly Invitae), Labcorp and Ambry Genetics).